The following is an entry in ClinVar:

NM_182746.3(MCM4):c.*1256A>G

Gene: MCM4 (minichromosome maintenance complex component 4; plus strand). Cytogenetic location: 8q11.21.
Variant type: single nucleotide variant.
Coding change: c.*1256A>G on transcript NM_182746.3 (MANE Select); 1256 bases downstream of the stop codon, A replaced by G.
Molecular consequence: 3 prime UTR variant.
Genome position (GRCh38, 1-based): chr8:47,978,034, A>G. VCF-style: chr8-47978034-A-G. GRCh37 (hg19) VCF-style: chr8-48890594-A-G.
Other names: c.*1256A>G (LRG_1239t1, NM_005914.4).
Identifiers: ClinVar variation 363255 (VCV000363255.5), dbSNP rs17334549, ClinGen allele CA10631258.

ClinVar aggregate classification (germline): Benign (1 of 4 stars; one submission).

Conditions:
Primary immunodeficiency with natural-killer cell deficiency and adrenal insufficiency (IMD54). Also called: Natural killer cell and glucocorticoid deficiency with DNA repair defect; IMMUNODEFICIENCY 54. Identifiers: Orphanet 75391, MedGen C1864947, MONDO:0012383, OMIM 609981.

Allele frequency attached by ClinVar (database versions not stated): 1000 Genomes Project 0.00938; 1000 Genomes Project 30x 0.01015; gnomAD 0.01072 and 0.01166; TOPMed 0.01206.

Submission:

Illumina Laboratory Services, Illumina
Classification: Benign for Primary immunodeficiency with natural-killer cell deficiency and adrenal insufficiency. Last evaluated: 2018-01-12. Review status: criteria provided, single submitter. Criteria: ICSL Variant Classification Criteria 13 December 2019. Collection method: clinical testing. Allele origin: germline.
Comment: This variant was observed in the ICSL laboratory as part of a predisposition screen in an ostensibly healthy population. It had not been previously curated by ICSL or reported in the Human Gene Mutation Database (HGMD: prior to June 1st, 2018), and was therefore a candidate for classification through an automated scoring system. Utilizing variant allele frequency, disease prevalence and penetrance estimates, and inheritance mode, an automated score was calculated to assess if this variant is too frequent to cause the disease. Based on the score and internal cut-off values, a variant classified as benign is not then subjected to further curation. The score for this variant resulted in a classification of benign for this disease.